The following is an entry in ClinVar:

ClinVar aggregate classification (germline): Uncertain significance (1 of 4 stars; one submission).

Conditions:
Developmental and epileptic encephalopathy, 53. Also called: Epileptic encephalopathy, early infantile, 53. Identifiers: MedGen C4479313, MONDO:0033362, OMIM 617389.
Early-onset Parkinson disease 20. Also called: PARKINSON DISEASE 20, AUTOSOMAL RECESSIVE EARLY-ONSET. Identifiers: Orphanet 391411, MedGen C3809824, MONDO:0014233, OMIM 615530.

Allele frequency attached by ClinVar (database versions not stated): gnomAD exomes below 0.00001; ExAC 0.00001.
gnomAD v4.1: 2 of 1,614,134 alleles (0.00012%); highest among the groups gnomAD compares: African/African-American, 0.0027%; no homozygotes.

Submission:

Labcorp Genetics (formerly Invitae), Labcorp
Classification: Uncertain significance for Developmental and epileptic encephalopathy, 53; Early-onset Parkinson disease 20. Last evaluated: 2022-08-09. Review status: criteria provided, single submitter. Criteria: Invitae Variant Classification Sherloc (09022015). Collection method: clinical testing. Allele origin: germline.
Comment: This sequence change replaces proline, which is neutral and non-polar, with serine, which is neutral and polar, at codon 1452 of the SYNJ1 protein (p.Pro1452Ser). This variant is present in population databases (rs764673212, gnomAD 0.0009%). This variant has not been reported in the literature in individuals affected with SYNJ1-related conditions. Algorithms developed to predict the effect of missense changes on protein structure and function output the following: SIFT: "Tolerated"; PolyPhen-2: "Benign"; Align-GVGD: "Class C0". The serine amino acid residue is found in multiple mammalian species, which suggests that this missense change does not adversely affect protein function. In summary, the available evidence is currently insufficient to determine the role of this variant in disease. Therefore, it has been classified as a Variant of Uncertain Significance.

NM_203446.3(SYNJ1):c.*325C>T

Gene: SYNJ1 (synaptojanin 1; minus strand). Cytogenetic location: 21q22.11.
Variant type: single nucleotide variant.
Coding change: c.*325C>T on transcript NM_203446.3 (MANE Select); 325 bases downstream of the stop codon, C replaced by T.
Molecular consequence: 3 prime UTR variant. On other transcripts: missense variant (2).
Genome position (GRCh38, 1-based): chr21:32,631,480, G>A on the plus strand (C>T on the coding strand, the complement: SYNJ1 is on the minus strand). VCF-style: chr21-32631480-G-A. GRCh37 (hg19) VCF-style: chr21-34003790-G-A.
Other names: c.*325C>T (NM_001160302.2); c.4096C>T, p.Pro1366Ser (NM_001160306.2); c.4354C>T, p.Pro1452Ser (NM_003895.4); short protein forms P1366S, P1452S.
Identifiers: ClinVar variation 1964333 (VCV001964333.2), dbSNP rs764673212, ClinGen allele CA10003131.